The following is an entry in ClinVar:

NM_024700.4(SNIP1):c.1158_1160del (p.Asp386del)

Gene: SNIP1 (Smad nuclear interacting protein 1; minus strand). Cytogenetic location: 1p34.3.
Variant type: Deletion.
Coding change: c.1158_1160del on transcript NM_024700.4 (MANE Select); coding-DNA positions 1158 to 1160, 3 bases deleted (TGA; older notation c.1158_1160delTGA).
Protein change: p.Asp386del; deletes aspartic acid 386.
Molecular consequence: inframe deletion.
Genome position (GRCh38, 1-based): chr1:37,537,779-37,537,781, TCA deleted on the plus strand (TGA on the coding strand, the reverse complement: SNIP1 is on the minus strand); deleting any 3 consecutive bases within chr1:37,537,779-37,537,783 gives the same sequence; the c. name uses the placement nearest the transcript's 3' end. VCF-style (leftmost placement, unchanged base first): chr1-37537778-CTCA-C. GRCh37 (hg19) VCF-style: chr1-38003379-CTCA-C.
Other names: short protein forms D386del.
Identifiers: ClinVar variation 1490864 (VCV001490864.8), dbSNP rs2148111570, ClinGen allele CA2573132261.

ClinVar aggregate classification (germline): Uncertain significance (1 of 4 stars; one submission).

Submission:

Labcorp Genetics (formerly Invitae), Labcorp
Classification: Uncertain significance. Last evaluated: 2023-10-13. Review status: criteria provided, single submitter. Criteria: Invitae Variant Classification Sherloc (09022015). Collection method: clinical testing. Allele origin: germline.
Comment: This variant, c.1158_1160del, results in the deletion of 1 amino acid(s) of the SNIP1 protein (p.Asp386del), but otherwise preserves the integrity of the reading frame. This variant is not present in population databases (gnomAD no frequency). This variant has not been reported in the literature in individuals affected with SNIP1-related conditions. ClinVar contains an entry for this variant (Variation ID: 1490864). Experimental studies and prediction algorithms are not available or were not evaluated, and the functional significance of this variant is currently unknown. In summary, the available evidence is currently insufficient to determine the role of this variant in disease. Therefore, it has been classified as a Variant of Uncertain Significance.